The following is an entry in ClinVar:

NM_000350.3(ABCA4):c.5912T>G (p.Leu1971Arg)

Gene: ABCA4 (ATP binding cassette subfamily A member 4; minus strand). Cytogenetic location: 1p22.1.
Variant type: single nucleotide variant.
Coding change: c.5912T>G on transcript NM_000350.3 (MANE Select); coding-DNA position 5912, T replaced by G.
Protein change: p.Leu1971Arg; replaces leucine 1971 with arginine.
Molecular consequence: missense variant.
Genome position (GRCh38, 1-based): chr1:94,007,727, A>C on the plus strand (T>G on the coding strand, the complement: ABCA4 is on the minus strand). VCF-style: chr1-94007727-A-C. GRCh37 (hg19) VCF-style: chr1-94473283-A-C.
Other names: c.5690T>G, p.Leu1897Arg (NM_001425324.1); short protein forms L1971R, L1897R.
Identifiers: ClinVar variation 7893 (VCV000007893.4), dbSNP rs61753034, ClinGen allele CA119134.

ClinVar aggregate classification (germline): Pathogenic. Review status: criteria provided, single submitter (1 of 4 stars). 3 submissions from 3 submitters: Pathogenic (1). 2 of the submissions do not count toward it. Last evaluated 2024-10-28.

Conditions:
Stargardt disease (FFM). Also called: Stargardt's disease; Fundus flavimaculatus. Identifiers: Orphanet 827, MedGen C0271093, MONDO:0019353.

Submissions (3):

Labcorp Genetics (formerly Invitae), Labcorp
Classification: Pathogenic. Last evaluated: 2024-10-28. Review status: criteria provided, single submitter. Criteria: Invitae Variant Classification Sherloc (09022015). Collection method: clinical testing. Allele origin: germline.
Comment: This sequence change replaces leucine, which is neutral and non-polar, with arginine, which is basic and polar, at codon 1971 of the ABCA4 protein (p.Leu1971Arg). This variant is not present in population databases (gnomAD no frequency). This missense change has been observed in individual(s) with Stargardt disease (PMID: 9781034; internal data). In at least one individual the data is consistent with being in trans (on the opposite chromosome) from a pathogenic variant. ClinVar contains an entry for this variant (Variation ID: 7893). Invitae Evidence Modeling of protein sequence and biophysical properties (such as structural, functional, and spatial information, amino acid conservation, physicochemical variation, residue mobility, and thermodynamic stability) indicates that this missense variant is expected to disrupt ABCA4 protein function with a positive predictive value of 95%. Experimental studies have shown that this missense change affects ABCA4 function (PMID: 11017087, 12962493). For these reasons, this variant has been classified as Pathogenic.

OMIM
Classification: Pathogenic for FUNDUS FLAVIMACULATUS. Last evaluated: 1998-05-01. Review status: no assertion criteria provided. Collection method: literature only. Allele origin: germline. Not counted in ClinVar's aggregate classification.

Retina International
No classification provided. Review status: no classification provided. Collection method: not provided. Allele origin: not provided. Not counted in ClinVar's aggregate classification.

Literature cited by the submitters: PubMed 9781034 (cited by Labcorp Genetics (formerly Invitae), Labcorp and OMIM); PubMed 11017087 (cited by Labcorp Genetics (formerly Invitae), Labcorp); PubMed 12962493 (cited by Labcorp Genetics (formerly Invitae), Labcorp).